The following is an entry in ClinVar:

NM_001378454.1(ALMS1):c.4934C>A (p.Ser1645Ter)

Gene: ALMS1 (ALMS1 centrosome and basal body associated protein; plus strand). Cytogenetic location: 2p13.1.
Variant type: single nucleotide variant.
Coding change: c.4934C>A on transcript NM_001378454.1 (MANE Select); coding-DNA position 4934, C replaced by A.
Protein change: p.Ser1645Ter; replaces serine 1645 with a stop codon.
Molecular consequence: nonsense.
Genome position (GRCh38, 1-based): chr2:73,451,461, C>A. VCF-style: chr2-73451461-C-A. GRCh37 (hg19) VCF-style: chr2-73678588-C-A.
Other names: c.4937C>A, p.Ser1646Ter (NM_015120.4); short protein forms S1645*, S1646*.
Identifiers: ClinVar variation 867044 (VCV000867044.8), dbSNP rs774594040, ClinGen allele CA1713791.

ClinVar aggregate classification (germline): Pathogenic. Review status: criteria provided, multiple submitters, no conflicts (2 of 4 stars). 3 submissions from 3 submitters: Pathogenic (3). Last evaluated 2024-11-18.

Conditions:
Alstrom syndrome (ALMS). Identifiers: Orphanet 64, MedGen C0268425, MONDO:0008763, OMIM 203800.
ALMS1-related disorder. Also called: ALMS1-related condition.

Allele frequency attached by ClinVar (database versions not stated): gnomAD exomes below 0.00001; ExAC 0.00001.
gnomAD v4.1: 2 of 1,614,080 alleles (0.00012%); highest among the groups gnomAD compares: South Asian, 0.0011%; no homozygotes.

Submissions (3):

Natera, Inc.
Classification: Pathogenic for Alstrom syndrome. Last evaluated: 2024-11-18. Review status: criteria provided, single submitter. Criteria: Natera Variant Classification Schema (03/2026). Collection method: clinical testing. Allele origin: germline.
Comment: The c.4937C>A variant in ALMS1 is a nonsense variant predicted to introduce a stop codon at amino acid 1646. This variant is expected to result in nonsense mediated decay, truncation, or a dysfunctional protein product. This variant is rare in the general population with a frequency below the threshold expected for the associated phenotype(s). This variant has been observed in one or more individuals affected with the associated recessive disease, as either homozygous or compound heterozygous with a second variant (PMID: 33924909). Given the available evidence, this variant is classified as Pathogenic.

Labcorp Genetics (formerly Invitae), Labcorp
Classification: Pathogenic for Alstrom syndrome. Last evaluated: 2022-03-15. Review status: criteria provided, single submitter. Criteria: Invitae Variant Classification Sherloc (09022015). Collection method: clinical testing. Allele origin: germline.
Comment: For these reasons, this variant has been classified as Pathogenic. ClinVar contains an entry for this variant (Variation ID: 867044). This premature translational stop signal has been observed in individual(s) with Alström syndrome (PMID: 15689433, 32349990). This variant is present in population databases (rs774594040, gnomAD 0.003%). This sequence change creates a premature translational stop signal (p.Ser1646*) in the ALMS1 gene. It is expected to result in an absent or disrupted protein product. Loss-of-function variants in ALMS1 are known to be pathogenic (PMID: 17594715).

Blueprint Genetics
Classification: Pathogenic for ALMS1-related disorders. Last evaluated: 2018-12-04. Review status: criteria provided, single submitter. Criteria: ACMG Guidelines, 2015. Collection method: clinical testing. Allele origin: germline. Affected: yes. Observed: 1 variant allele.

Literature cited by the submitters: PubMed 33924909 (cited by Natera, Inc.); PubMed 15689433 (cited by Labcorp Genetics (formerly Invitae), Labcorp); PubMed 32349990 (cited by Labcorp Genetics (formerly Invitae), Labcorp); PubMed 17594715 (cited by Labcorp Genetics (formerly Invitae), Labcorp).